The following is an entry in ClinVar:

ClinVar aggregate classification (germline): Conflicting classifications of pathogenicity. Review status: criteria provided, conflicting classifications (1 of 4 stars). 5 submissions from 5 submitters: Uncertain significance (3); Likely benign (2). Last evaluated 2024-07-30.

Conditions:
Hereditary cancer-predisposing syndrome. Also called: Tumor predisposition; Hereditary Cancer Syndrome; Hereditary neoplastic syndrome; Neoplastic Syndromes, Hereditary. Identifiers: Orphanet 140162, MedGen C0027672, MeSH D009386, MONDO:0015356.
Hereditary breast ovarian cancer syndrome. Also called: Hereditary breast and ovarian cancer; Breast and ovarian cancer; BRCA1- and BRCA2-Associated Hereditary Breast and Ovarian Cancer; Hereditary breast and ovarian cancer syndrome; Hereditary breast and ovarian cancer syndrome (HBOC); Hereditary breast and/or ovarian cancer syndrome. Identifiers: Orphanet 145, MedGen C0677776, MeSH D061325, MONDO:0003582. Disease mechanism: loss of function.
Breast-ovarian cancer, familial, susceptibility to, 2 (BROVCA2). Also called: BRCA2 Hereditary Breast and Ovarian Cancer. Identifiers: Orphanet 145, MedGen C2675520, MONDO:0012933, OMIM 612555. Disease mechanism: loss of function.

Allele frequency attached by ClinVar (database versions not stated): TOPMed 0.00001.

Submissions (5):

Labcorp Genetics (formerly Invitae), Labcorp
Classification: Uncertain significance for Hereditary breast ovarian cancer syndrome. Last evaluated: 2024-07-30. Review status: criteria provided, single submitter. Criteria: Invitae Variant Classification Sherloc (09022015). Collection method: clinical testing. Allele origin: germline.
Comment: This sequence change replaces isoleucine, which is neutral and non-polar, with valine, which is neutral and non-polar, at codon 1446 of the BRCA2 protein (p.Ile1446Val). This variant is not present in population databases (gnomAD no frequency). This missense change has been observed in individual(s) with clinical features of BRCA2-related conditions (PMID: 21520333). ClinVar contains an entry for this variant (Variation ID: 234426). Advanced modeling of protein sequence and biophysical properties (such as structural, functional, and spatial information, amino acid conservation, physicochemical variation, residue mobility, and thermodynamic stability) performed at Invitae indicates that this missense variant is not expected to disrupt BRCA2 protein function with a negative predictive value of 95%. In summary, the available evidence is currently insufficient to determine the role of this variant in disease. Therefore, it has been classified as a Variant of Uncertain Significance.

All of Us Research Program, National Institutes of Health
Classification: Uncertain significance for Breast-ovarian cancer, familial, susceptibility to, 2. Last evaluated: 2023-03-23. Review status: criteria provided, single submitter. Criteria: ACMG Guidelines, 2015. Collection method: clinical testing. Allele origin: germline. Inheritance: Autosomal dominant inheritance. Observed: 1 variant allele, 1 heterozygote.
Comment: This missense variant replaces isoleucine with valine at codon 1446 of the BRCA2 protein. Computational prediction suggests that this variant may not impact protein structure and function (internally defined REVEL score threshold <= 0.5, PMID: 27666373). To our knowledge, functional studies have not been reported for this variant. This variant has been reported in an individual from a breast-ovarian cancer families cohort (kConFab) in the Leiden Open-source Variation Database. This variant has not been identified in the general population by the Genome Aggregation Database (gnomAD). The available evidence is insufficient to determine the role of this variant in disease conclusively. Therefore, this variant is classified as a Variant of Uncertain Significance.

This study involves interpretation of variants in research participants for the purpose of population health screening. Participant phenotype was not available at the time of variant classification. Additional details can be found in publication PMID: 35346344, PMCID: PMC8962531

University of Washington Department of Laboratory Medicine, University of Washington
Classification: Likely benign for Hereditary cancer-predisposing syndrome. Last evaluated: 2023-03-23. Review status: criteria provided, single submitter. Criteria: Dines et al. (Genet Med. 2020). Collection method: curation. Allele origin: germline.
Comment: Missense variant in a coldspot region where missense variants are very unlikely to be pathogenic (PMID:31911673).

BRCA2 exon 11 coldspot. Reclassification based on statistical prior probability.

Ambry Genetics
Classification: Likely benign for Hereditary cancer-predisposing syndrome. Last evaluated: 2016-11-28. Review status: criteria provided, single submitter. Criteria: Ambry Variant Classification Scheme 2023. Collection method: clinical testing. Allele origin: germline.

GeneDx
Classification: Uncertain significance. Last evaluated: 2016-02-12. Review status: criteria provided, single submitter. Criteria: GeneDx Variant Classification (06012015). Collection method: clinical testing. Allele origin: germline. Affected: yes.
Comment: This variant is denoted BRCA2 c.4336A>G at the cDNA level, p.Ile1446Val (I1446V) at the protein level, and results in the change of an Isoleucine to a Valine (ATT>GTT). Using alternate nomenclature, this variant would be defined as BRCA2 4564A>G. This variant has not, to our knowledge, been published in the literature as pathogenic or benign. BRCA2 Ile1446Val was not observed in approximately 6,500 individuals of European and African American ancestry in the NHLBI Exome Sequencing Project, suggesting it is not a common benign variant in these populations. Since Isoleucine and Valine share similar properties, this is considered a conservative amino acid substitution. BRCA2 Ile1446Val occurs at a position that is not conserved and is located in the BRC3 domain and the POLH binding domain (Cole 2011, Buisson 2014). In silico analyses predict that this variant is unlikely to alter protein structure or function. Based on currently available evidence, it is unclear whether BRCA2 Ile1446Val is a pathogenic or benign variant. We consider it to be a variant of uncertain significance.

Literature cited by the submitters: PubMed 21520333 (cited by Labcorp Genetics (formerly Invitae), Labcorp).

NM_000059.4(BRCA2):c.4336A>G (p.Ile1446Val)

Gene: BRCA2 (BRCA2 DNA repair associated; plus strand). Cytogenetic location: 13q13.1.
Variant type: single nucleotide variant.
Coding change: c.4336A>G on transcript NM_000059.4 (MANE Select); coding-DNA position 4336, A replaced by G.
Protein change: p.Ile1446Val; replaces isoleucine 1446 with valine.
Molecular consequence: missense variant.
Genome position (GRCh38, 1-based): chr13:32,338,691, A>G. VCF-style: chr13-32338691-A-G. GRCh37 (hg19) VCF-style: chr13-32912828-A-G.
Other names: short protein forms I1446V.
Identifiers: ClinVar variation 234426 (VCV000234426.17), dbSNP rs876661017, ClinGen allele CA10577471.